The following is an entry in ClinVar:

NM_001388453.1(QRICH2):c.3604G>C (p.Glu1202Gln)

Gene: QRICH2 (glutamine rich 2; minus strand). Cytogenetic location: 17q25.1.
Variant type: single nucleotide variant.
Coding change: c.3604G>C on transcript NM_001388453.1 (MANE Select); coding-DNA position 3604, G replaced by C.
Protein change: p.Glu1202Gln; replaces glutamic acid 1202 with glutamine.
Molecular consequence: missense variant.
Genome position (GRCh38, 1-based): chr17:76,291,123, C>G on the plus strand (G>C on the coding strand, the complement: QRICH2 is on the minus strand). VCF-style: chr17-76291123-C-G. GRCh37 (hg19) VCF-style: chr17-74287204-C-G.
Other names: c.3604G>C, p.Glu1202Gln (NM_032134.3); short protein forms E1202Q.
Identifiers: ClinVar variation 3060169 (VCV003060169.2), dbSNP rs2279052, ClinGen allele CA8783797.

ClinVar aggregate classification (germline): Benign (0 of 4 stars; one submission).

Conditions:
QRICH2-related disorder. Also called: QRICH2-related condition.

Allele frequency attached by ClinVar (database versions not stated): gnomAD exomes 0.30383; ExAC 0.33203; gnomAD 0.35413; ESP Exome Variant Server 0.35691; TOPMed 0.36562; 1000 Genomes Project 30x 0.41474; 1000 Genomes Project 0.41573.
gnomAD v4.1: 499,001 of 1,613,804 alleles (31%); highest among the groups gnomAD compares: East Asian, 61%; 81,351 homozygotes.

Submission:

PreventionGenetics, part of Exact Sciences
Classification: Benign for QRICH2-related condition. Last evaluated: 2019-10-18. Review status: no assertion criteria provided. Collection method: clinical testing. Allele origin: germline.
Comment: This variant is classified as benign based on ACMG/AMP sequence variant interpretation guidelines (Richards et al. 2015 PMID: 25741868, with internal and published modifications).